The following is an entry in ClinVar:

NM_001267550.2(TTN):c.100373T>C (p.Ile33458Thr)

Genes: TTN (titin; minus strand), TTN-AS1 (TTN antisense RNA 1; plus strand). Cytogenetic location: 2q31.2.
Variant type: single nucleotide variant.
Coding change: c.100373T>C on transcript NM_001267550.2 (MANE Select); coding-DNA position 100373, T replaced by C.
Protein change: p.Ile33458Thr; replaces isoleucine 33458 with threonine.
Molecular consequence: missense variant.
Genome position (GRCh38, 1-based): chr2:178,536,374, A>G on the plus strand (T>C on the coding strand, the complement: TTN is on the minus strand). VCF-style: chr2-178536374-A-G. GRCh37 (hg19) VCF-style: chr2-179401101-A-G.
Other names: c.73178T>C, p.Ile24393Thr (NM_003319.4); c.92669T>C, p.Ile30890Thr (NM_133378.4); c.73553T>C, p.Ile24518Thr (NM_133432.3); c.73754T>C, p.Ile24585Thr (NM_133437.4); c.95450T>C, p.Ile31817Thr (NM_001256850.1); short protein forms I24393T, I24518T, I24585T, I30890T, I31817T, I33458T.
Identifiers: ClinVar variation 1338890 (VCV001338890.4), dbSNP rs72648283, ClinGen allele CA1986040.

ClinVar aggregate classification (germline): Uncertain significance. Review status: criteria provided, multiple submitters, no conflicts (2 of 4 stars). 3 submissions from 3 submitters: Uncertain significance (3). Last evaluated 2026-04-14.

Conditions:
Dilated cardiomyopathy 1G (CMD1G). Identifiers: Orphanet 154, MedGen C1858763, MONDO:0011400, OMIM 604145.
Hypertrophic cardiomyopathy 9. Also called: Familial hypertrophic cardiomyopathy 9. Identifiers: MedGen C1861065, MONDO:0013412, OMIM 613765.
Early-onset myopathy with fatal cardiomyopathy (CMYO5). Also called: Salih Myopathy; CONGENITAL MYOPATHY 5 WITH CARDIOMYOPATHY. Identifiers: Orphanet 289377, MedGen C2673677, MONDO:0012714, OMIM 611705. Disease mechanism: loss of function.
Tibial muscular dystrophy (TMD). Also called: UDD MYOPATHY; Tibial muscular dystrophy, tardive; Udd Distal Myopathy – Tibial Muscular Dystrophy. Identifiers: Orphanet 609, MedGen C1838244, MONDO:0010870, OMIM 600334.
Autosomal recessive limb-girdle muscular dystrophy type 2J (LGMDR10). Also called: Limb-girdle muscular dystrophy, type 2J; MUSCULAR DYSTROPHY, LIMB-GIRDLE, AUTOSOMAL RECESSIVE 10. Identifiers: Orphanet 140922, MedGen C1837342, MONDO:0012127, OMIM 608807.
Myopathy, myofibrillar, 9, with early respiratory failure (MFM9). Also called: Hereditary myopathy with early respiratory failure; EDSTROM MYOPATHY; MYOPATHY, PROXIMAL, WITH EARLY RESPIRATORY MUSCLE INVOLVEMENT; Myopathy, distal, with early respiratory failure, autosomal dominant. Identifiers: Orphanet 178464, Orphanet 34521, MedGen C1863599, MONDO:0011362, OMIM 603689.
TTN-related disorder. Also called: TTN-related disorders; TTN-related condition; TTN-related disease.

Allele frequency attached by ClinVar (database versions not stated): TOPMed below 0.00001; gnomAD 0.00001; gnomAD exomes 0.00001; ExAC 0.00002; ESP Exome Variant Server 0.00008.
gnomAD v4.1: 14 of 1,613,660 alleles (0.00087%); highest among the groups gnomAD compares: South Asian, 0.0033%; no homozygotes.

Submissions (3):

PreventionGenetics, part of Exact Sciences
Classification: Uncertain significance for TTN-related condition. Last evaluated: 2026-04-14. Review status: criteria provided, single submitter. Criteria: ACMG Guidelines, 2015. Collection method: clinical testing. Allele origin: germline.
Comment: The TTN c.100373T>C variant is predicted to result in the amino acid substitution p.Ile33458Thr. To our knowledge, this variant has not been reported in the literature. This variant is reported in 0.0027% of alleles in individuals of European (Non-Finnish) descent in gnomAD. At this time, the clinical significance of this variant is uncertain due to the absence of conclusive functional and genetic evidence.

GeneDx
Classification: Uncertain significance. Last evaluated: 2022-01-12. Review status: criteria provided, single submitter. Criteria: GeneDx Variant Classification Process June 2021. Collection method: clinical testing. Allele origin: germline. Affected: yes.
Comment: Not observed at significant frequency in large population cohorts (gnomAD); Missense variant in a gene in which most reported pathogenic variants are truncating/loss-of-function; Has not been previously published as pathogenic or benign to our knowledge; This variant is associated with the following publications: (PMID: 23975875)

Fulgent Genetics
Classification: Uncertain significance for Tibial muscular dystrophy; Myopathy, myofibrillar, 9, with early respiratory failure; Dilated cardiomyopathy 1G; Autosomal recessive limb-girdle muscular dystrophy type 2J; Early-onset myopathy with fatal cardiomyopathy; Hypertrophic cardiomyopathy 9. Last evaluated: 2021-09-16. Review status: criteria provided, single submitter. Criteria: ACMG Guidelines, 2015. Collection method: clinical testing. Allele origin: unknown.